The following is an entry in ClinVar:

ClinVar aggregate classification (germline): Likely benign. Review status: criteria provided, single submitter (1 of 4 stars). 2 submissions from 2 submitters: Likely benign (1). 1 of the submissions does not count toward it. Last evaluated 2023-08-01.

Conditions:
DNAH17-related disorder. Also called: DNAH17-related condition.

Allele frequency attached by ClinVar (database versions not stated): gnomAD 0.00014; TOPMed 0.00038; ExAC 0.00050; 1000 Genomes Project 0.00080; 1000 Genomes Project 30x 0.00109.
gnomAD v4.1: 229 of 1,613,330 alleles (0.014%); highest among the groups gnomAD compares: East Asian, 0.47%; 2 homozygotes.

Submissions (2):

CeGaT Center for Human Genetics Tuebingen
Classification: Likely benign. Last evaluated: 2023-08-01. Review status: criteria provided, single submitter. Criteria: CeGaT Center For Human Genetics Tuebingen Variant Classification Criteria Version 2. Collection method: clinical testing. Allele origin: germline. Affected: yes. Observed: 1 variant allele.
Comment: DNAH17: BP4, BS2

PreventionGenetics, part of Exact Sciences
Classification: Likely benign for DNAH17-related condition. Last evaluated: 2019-03-22. Review status: no assertion criteria provided. Collection method: clinical testing. Allele origin: germline. Not counted in ClinVar's aggregate classification.
Comment: This variant is classified as likely benign based on ACMG/AMP sequence variant interpretation guidelines (Richards et al. 2015 PMID: 25741868, with internal and published modifications).

NM_173628.4(DNAH17):c.1777C>T (p.Leu593=)

Gene: DNAH17 (dynein axonemal heavy chain 17; minus strand). Cytogenetic location: 17q25.3.
Variant type: single nucleotide variant.
Coding change: c.1777C>T on transcript NM_173628.4 (MANE Select); coding-DNA position 1777, C replaced by T.
Protein change: p.Leu593=; no amino-acid change (leucine 593 retained).
Molecular consequence: synonymous variant.
Genome position (GRCh38, 1-based): chr17:78,561,773, G>A on the plus strand (C>T on the coding strand, the complement: DNAH17 is on the minus strand). VCF-style: chr17-78561773-G-A. GRCh37 (hg19) VCF-style: chr17-76557855-G-A.
Other names: c.1777C>T (NM_173628.3).
Identifiers: ClinVar variation 2648375 (VCV002648375.25), dbSNP rs548988418, ClinGen allele CA8805024.
Genomic context (GRCh38, chr17:78,561,773, plus strand): 5'-ACGGGTGTTCGACGTGCTTCAGGTGTTTCATGGACACCTCTAGCCTCTCCTGCAGCTCCA[G>A]GCTCCATTTGAGCTGCCCGGCCACGGGAGGCATGTTTTTGTGGATCAGGGGGATGTTCCC-3'
Protein context (NP_775899.3, residues 583-603): PPVAGQLKWS[Leu593=]ELQERLEVSM